The following is an entry in ClinVar:

NM_020975.6(RET):c.1225T>A (p.Ser409Thr)

Gene: RET (ret proto-oncogene; plus strand). Cytogenetic location: 10q11.21.
Variant type: single nucleotide variant.
Coding change: c.1225T>A on transcript NM_020975.6 (MANE Select); coding-DNA position 1225, T replaced by A.
Protein change: p.Ser409Thr; replaces serine 409 with threonine.
Molecular consequence: missense variant.
Genome position (GRCh38, 1-based): chr10:43,109,192, T>A. VCF-style: chr10-43109192-T-A. GRCh37 (hg19) VCF-style: chr10-43604640-T-A.
Other names: c.1225T>A, p.Ser409Thr (NM_000323.2, NM_001406743.1, NM_001406744.1 and 6 more transcripts); c.463T>A, p.Ser155Thr (NM_001355216.2); c.1096T>A, p.Ser366Thr (NM_001406761.1, NM_001406762.1, NM_001406764.1 and 1 more transcripts); c.937T>A, p.Ser313Thr (NM_001406766.1, NM_001406767.1, NM_001406770.1); c.787T>A, p.Ser263Thr (NM_001406771.1, NM_001406773.1); c.499T>A, p.Ser167Thr (NM_001406775.1, NM_001406776.1, NM_001406777.1 and 1 more transcripts); c.235T>A, p.Ser79Thr (NM_001406784.1); short protein forms S155T, S409T, S263T, S79T, S167T, S313T, S366T.
Identifiers: ClinVar variation 1754186 (VCV001754186.4), dbSNP rs2538425916, ClinGen allele CA376547919.

ClinVar aggregate classification (germline): Uncertain significance. Review status: criteria provided, multiple submitters, no conflicts (2 of 4 stars). 2 submissions from 2 submitters: Uncertain significance (2). Last evaluated 2024-04-24.

Conditions:
Hereditary cancer-predisposing syndrome. Also called: Neoplastic Syndromes, Hereditary; Tumor predisposition; Hereditary Cancer Syndrome; Hereditary neoplastic syndrome. Identifiers: Orphanet 140162, MedGen C0027672, MeSH D009386, MONDO:0015356.
Multiple endocrine neoplasia, type 2 (MEN2). Identifiers: Orphanet 653, MedGen C4048306, MONDO:0019003. Disease mechanism: gain of function.

Submissions (2):

Labcorp Genetics (formerly Invitae), Labcorp
Classification: Uncertain significance for Multiple endocrine neoplasia, type 2. Last evaluated: 2024-04-24. Review status: criteria provided, single submitter. Criteria: Invitae Variant Classification Sherloc (09022015). Collection method: clinical testing. Allele origin: germline.
Comment: This sequence change replaces serine, which is neutral and polar, with threonine, which is neutral and polar, at codon 409 of the RET protein (p.Ser409Thr). This variant is not present in population databases (gnomAD no frequency). This variant has not been reported in the literature in individuals affected with RET-related conditions. ClinVar contains an entry for this variant (Variation ID: 1754186). Algorithms developed to predict the effect of missense changes on protein structure and function output the following: SIFT: "Not Available"; PolyPhen-2: "Benign"; Align-GVGD: "Not Available". The threonine amino acid residue is found in multiple mammalian species, which suggests that this missense change does not adversely affect protein function. In summary, the available evidence is currently insufficient to determine the role of this variant in disease. Therefore, it has been classified as a Variant of Uncertain Significance.

Ambry Genetics
Classification: Uncertain significance for Hereditary cancer-predisposing syndrome. Last evaluated: 2021-06-04. Review status: criteria provided, single submitter. Criteria: Ambry Variant Classification Scheme 2023. Collection method: clinical testing. Allele origin: germline.
Comment: The p.S409T variant (also known as c.1225T>A), located in coding exon 6 of the RET gene, results from a T to A substitution at nucleotide position 1225. The serine at codon 409 is replaced by threonine, an amino acid with similar properties. This amino acid position is not well conserved in available vertebrate species. In addition, this alteration is predicted to be tolerated by in silico analysis. Since supporting evidence is limited at this time, the clinical significance of this alteration remains unclear.